The following is an entry in ClinVar:

NM_015981.4(CAMK2A):c.1139A>G (p.Tyr380Cys)

Gene: CAMK2A (calcium/calmodulin dependent protein kinase II alpha; minus strand). Cytogenetic location: 5q32.
Variant type: single nucleotide variant.
Coding change: c.1139A>G on transcript NM_015981.4 (MANE Select); coding-DNA position 1139, A replaced by G.
Protein change: p.Tyr380Cys; replaces tyrosine 380 with cysteine.
Molecular consequence: missense variant.
Genome position (GRCh38, 1-based): chr5:150,231,308, T>C on the plus strand (A>G on the coding strand, the complement: CAMK2A is on the minus strand). VCF-style: chr5-150231308-T-C. GRCh37 (hg19) VCF-style: chr5-149610871-T-C.
Other names: c.1139A>G, p.Tyr380Cys (NM_001363989.1); c.1106A>G, p.Tyr369Cys (NM_001363990.1, NM_001369025.2, NM_171825.3); short protein forms Y369C, Y380C.
Identifiers: ClinVar variation 4537761 (VCV004537761.1).

ClinVar aggregate classification (germline): Uncertain significance (1 of 4 stars; one submission).

Submission:

GeneDx
Classification: Uncertain significance. Last evaluated: 2025-06-12. Review status: criteria provided, single submitter. Criteria: GeneDx Variant Classification Process June 2021. Collection method: clinical testing. Allele origin: germline. Affected: yes.
Comment: Not observed at significant frequency in large population cohorts (gnomAD); In silico analysis supports that this missense variant has a deleterious effect on protein structure/function; Has not been previously published as pathogenic or benign to our knowledge